The following is an entry in ClinVar:

ClinVar aggregate classification (germline): Uncertain significance. Review status: criteria provided, multiple submitters, no conflicts (2 of 4 stars). 4 submissions from 4 submitters: Uncertain significance (4). Last evaluated 2025-09-02.

Conditions:
Torsion dystonia 6 (DYT6). Also called: DYT-THAP1. Identifiers: Orphanet 98806, MedGen C1414216, MONDO:0011264, OMIM 602629.
Inborn genetic diseases. Identifiers: MedGen C0950123, MeSH D030342.

Allele frequency attached by ClinVar (database versions not stated): TOPMed below 0.00001; gnomAD exomes 0.00001; ExAC 0.00002.
gnomAD v4.1: 19 of 1,614,192 alleles (0.0012%); highest among the groups gnomAD compares: Non-Finnish European, 0.0015%; no homozygotes.

Submissions (4):

Labcorp Genetics (formerly Invitae), Labcorp
Classification: Uncertain significance for Torsion dystonia 6. Last evaluated: 2025-09-02. Review status: criteria provided, single submitter. Criteria: Invitae Variant Classification Sherloc (09022015). Collection method: clinical testing. Allele origin: germline.
Comment: This sequence change replaces arginine, which is basic and polar, with glutamine, which is neutral and polar, at codon 169 of the THAP1 protein (p.Arg169Gln). This variant is present in population databases (rs767519301, gnomAD 0.002%). This missense change has been observed in individuals with dystonia (PMID: 20211909, 24757586; internal data). ClinVar contains an entry for this variant (Variation ID: 521683). An algorithm developed to predict the effect of missense changes on protein structure and function (PolyPhen-2) suggests that this variant is likely to be tolerated. In summary, the available evidence is currently insufficient to determine the role of this variant in disease. Therefore, it has been classified as a Variant of Uncertain Significance.

Mayo Clinic Laboratories, Mayo Clinic
Classification: Uncertain significance. Last evaluated: 2025-02-07. Review status: criteria provided, single submitter. Criteria: ACMG Guidelines, 2015. Collection method: clinical testing. Allele origin: germline. Observed: 2 variant alleles.
Comment: BS2

Fulgent Genetics
Classification: Uncertain significance for Torsion dystonia 6. Last evaluated: 2018-10-31. Review status: criteria provided, single submitter. Criteria: ACMG Guidelines, 2015. Collection method: clinical testing. Allele origin: unknown.

Ambry Genetics
Classification: Uncertain significance for Inborn genetic diseases. Last evaluated: 2017-04-18. Review status: criteria provided, single submitter. Criteria: Ambry exome assertion method (8-5-2015). Collection method: clinical testing. Allele origin: germline. Affected: yes. Observed: 1 variant allele.

Literature cited by the submitters: PubMed 20211909 (cited by 3 submitters); PubMed 24757586 (cited by Labcorp Genetics (formerly Invitae), Labcorp and Mayo Clinic Laboratories, Mayo Clinic); PubMed 22903657 (cited by Mayo Clinic Laboratories, Mayo Clinic); PubMed 39569852 (cited by Mayo Clinic Laboratories, Mayo Clinic).

NM_018105.3(THAP1):c.506G>A (p.Arg169Gln)

Gene: THAP1 (THAP domain containing 1; minus strand). Cytogenetic location: 8p11.21.
Variant type: single nucleotide variant.
Coding change: c.506G>A on transcript NM_018105.3 (MANE Select); coding-DNA position 506, G replaced by A.
Protein change: p.Arg169Gln; replaces arginine 169 with glutamine.
Molecular consequence: missense variant. On other transcripts: 3 prime UTR variant (1).
Genome position (GRCh38, 1-based): chr8:42,838,098, C>T on the plus strand (G>A on the coding strand, the complement: THAP1 is on the minus strand). VCF-style: chr8-42838098-C-T. GRCh37 (hg19) VCF-style: chr8-42693241-C-T.
Other names: p.Arg169Gln; c.*148G>A (NM_199003.2); short protein forms R169Q.
Identifiers: ClinVar variation 521683 (VCV000521683.12), dbSNP rs767519301, ClinGen allele CA4734531.